The following is an entry in ClinVar:

ClinVar aggregate classification (germline): Pathogenic (1 of 4 stars; one submission).

Conditions:
Oligodontia-cancer predisposition syndrome. Also called: TOOTH AGENESIS-COLORECTAL CANCER SYNDROME. Identifiers: Orphanet 300576, MedGen C1837750, MONDO:0012075, OMIM 608615. Disease mechanism: loss of function.

Submission:

Labcorp Genetics (formerly Invitae), Labcorp
Classification: Pathogenic for Oligodontia-cancer predisposition syndrome. Last evaluated: 2025-03-31. Review status: criteria provided, single submitter. Criteria: Invitae Variant Classification Sherloc (09022015). Collection method: clinical testing. Allele origin: germline.
Comment: This sequence change creates a premature translational stop signal (p.Ser300Argfs*5) in the AXIN2 gene. It is expected to result in an absent or disrupted protein product. Loss-of-function variants in AXIN2 are known to be pathogenic (PMID: 15042511, 21416598). This variant is not present in population databases (gnomAD no frequency). This variant has not been reported in the literature in individuals affected with AXIN2-related conditions. For these reasons, this variant has been classified as Pathogenic.

Literature cited by the submitters: PubMed 15042511; PubMed 21416598.

NM_004655.4(AXIN2):c.900_901del (p.Ser300fs)

Gene: AXIN2 (axin 2; minus strand). Cytogenetic location: 17q24.1.
Variant type: Deletion.
Coding change: c.900_901del on transcript NM_004655.4 (MANE Select); coding-DNA positions 900 to 901, 2 bases deleted (TG; older notation c.900_901delTG).
Protein change: p.Ser300fs; shifts the reading frame from serine 300.
Molecular consequence: frameshift variant.
Genome position (GRCh38, 1-based): chr17:65,549,575-65,549,576, CA deleted on the plus strand (TG on the coding strand, the reverse complement: AXIN2 is on the minus strand); deleting any 2 consecutive bases within chr17:65,549,575-65,549,577 gives the same sequence; the c. name uses the placement nearest the transcript's 3' end. VCF-style (leftmost placement, unchanged base first): chr17-65549574-TCA-T. GRCh37 (hg19) VCF-style: chr17-63545692-TCA-T.
Other names: c.900_901del, p.Ser300fs (NM_001363813.1); short protein forms S300fs.
Identifiers: ClinVar variation 3726045 (VCV003726045.2).